The following is an entry in ClinVar:

ClinVar aggregate classification (germline): Pathogenic (1 of 4 stars; one submission).

Conditions:
Treacher Collins syndrome 1 (TCS1). Also called: TCOF1-Related Treacher Collins Syndrome. Identifiers: Orphanet 861, MedGen CN315775, MONDO:0007944, OMIM 154500.

Submission:

Labcorp Genetics (formerly Invitae), Labcorp
Classification: Pathogenic for Treacher Collins syndrome 1. Last evaluated: 2020-09-11. Review status: criteria provided, single submitter. Criteria: Invitae Variant Classification Sherloc (09022015). Collection method: clinical testing. Allele origin: germline.
Comment: For these reasons, this variant has been classified as Pathogenic. Loss-of-function variants in TCOF1 are known to be pathogenic (PMID: 8894686, 22317976). This variant has not been reported in the literature in individuals with TCOF1-related conditions. This variant is not present in population databases (ExAC no frequency). This sequence change creates a premature translational stop signal (p.Lys528Argfs*68) in the TCOF1 gene. It is expected to result in an absent or disrupted protein product.

Literature cited by the submitters: PubMed 8894686; PubMed 22317976.

NM_001371623.1(TCOF1):c.1578del (p.Lys528fs)

Gene: TCOF1 (treacle ribosome biogenesis factor 1; plus strand). Cytogenetic location: 5q32.
Variant type: Deletion.
Coding change: c.1578del on transcript NM_001371623.1 (MANE Select); coding-DNA position 1578, one base deleted (C; older notation c.1578delC).
Protein change: p.Lys528fs; shifts the reading frame from lysine 528.
Molecular consequence: frameshift variant.
Genome position (GRCh38, 1-based): chr5:150,375,428, C deleted; the last of 3 consecutive C bases (chr5:150,375,426-150,375,428); deleting any one gives the same sequence. VCF-style (leftmost placement, unchanged base first): chr5-150375425-AC-A. GRCh37 (hg19) VCF-style: chr5-149754988-AC-A.
Other names: c.1347del, p.Lys451fs (NM_000356.4, NM_001135245.2); c.1578del, p.Lys528fs (NM_001008657.3, NM_001135243.2, NM_001135244.2 and 1 more transcripts); short protein forms K451fs, K528fs.
Identifiers: ClinVar variation 1070982 (VCV001070982.7), dbSNP rs2150715791, ClinGen allele CA447408201.